The following is an entry in ClinVar:

ClinVar aggregate classification (germline): Likely benign (0 of 4 stars; one submission).

Conditions:
CLMN-related disorder. Also called: CLMN-related condition.

Allele frequency attached by ClinVar (database versions not stated): TOPMed 0.00020; gnomAD 0.00026; ESP Exome Variant Server 0.00038.
gnomAD v4.1: 521 of 1,613,800 alleles (0.032%); highest among the groups gnomAD compares: Middle Eastern, 0.22%; 1 homozygote.

Submission:

PreventionGenetics, part of Exact Sciences
Classification: Likely benign for CLMN-related condition. Last evaluated: 2019-05-08. Review status: no assertion criteria provided. Collection method: clinical testing. Allele origin: germline.
Comment: This variant is classified as likely benign based on ACMG/AMP sequence variant interpretation guidelines (Richards et al. 2015 PMID: 25741868, with internal and published modifications).

NM_024734.4(CLMN):c.2112C>T (p.Ser704=)

Gene: CLMN (calmin; minus strand). Cytogenetic location: 14q32.13.
Variant type: single nucleotide variant.
Coding change: c.2112C>T on transcript NM_024734.4 (MANE Select); coding-DNA position 2112, C replaced by T.
Protein change: p.Ser704=; no amino-acid change (serine 704 retained).
Molecular consequence: synonymous variant.
Genome position (GRCh38, 1-based): chr14:95,203,237, G>A on the plus strand (C>T on the coding strand, the complement: CLMN is on the minus strand). VCF-style: chr14-95203237-G-A. GRCh37 (hg19) VCF-style: chr14-95669574-G-A.
Identifiers: ClinVar variation 3041361 (VCV003041361.2), dbSNP rs140829875, ClinGen allele CA7332040.